The following is an entry in ClinVar:

ClinVar aggregate classification (germline): Uncertain significance (1 of 4 stars; one submission).

Conditions:
Fanconi anemia (FA). Also called: Fanconi's anemia. Identifiers: Orphanet 84, MedGen C0015625, MeSH D005199, MONDO:0019391.

Submission:

Labcorp Genetics (formerly Invitae), Labcorp
Classification: Uncertain significance for Fanconi anemia. Last evaluated: 2024-12-09. Review status: criteria provided, single submitter. Criteria: Invitae Variant Classification Sherloc (09022015). Collection method: clinical testing. Allele origin: germline.
Comment: This sequence change replaces leucine, which is neutral and non-polar, with phenylalanine, which is neutral and non-polar, at codon 53 of the FANCL protein (p.Leu53Phe). This variant is not present in population databases (gnomAD no frequency). This variant has not been reported in the literature in individuals affected with FANCL-related conditions. ClinVar contains an entry for this variant (Variation ID: 2110385). Invitae Evidence Modeling of protein sequence and biophysical properties (such as structural, functional, and spatial information, amino acid conservation, physicochemical variation, residue mobility, and thermodynamic stability) indicates that this missense variant is not expected to disrupt FANCL protein function with a negative predictive value of 80%. In summary, the available evidence is currently insufficient to determine the role of this variant in disease. Therefore, it has been classified as a Variant of Uncertain Significance.

NM_018062.4(FANCL):c.159A>C (p.Leu53Phe)

Gene: FANCL (FA complementation group L; minus strand). Cytogenetic location: 2p16.1.
Variant type: single nucleotide variant.
Coding change: c.159A>C on transcript NM_018062.4 (MANE Select); coding-DNA position 159, A replaced by C.
Protein change: p.Leu53Phe; replaces leucine 53 with phenylalanine.
Molecular consequence: missense variant.
Genome position (GRCh38, 1-based): chr2:58,229,871, T>G on the plus strand (A>C on the coding strand, the complement: FANCL is on the minus strand). VCF-style: chr2-58229871-T-G. GRCh37 (hg19) VCF-style: chr2-58457006-T-G.
Other names: c.159A>C, p.Leu53Phe (NM_001114636.2, NM_001374615.1, NM_001410792.1); short protein forms L53F.
Identifiers: ClinVar variation 2110385 (VCV002110385.4), dbSNP rs1433152710, ClinGen allele CA347034870.
Genomic context (GRCh38, chr2:58,229,871, plus strand): 5'-TACCTGTTGTACTATTCGATGGTATCCACTAAGTATTGTTCTCAGCTGCCAACTACATAA[T>G]AATCTAAAATTTTAATGAGACAAAATGGTTTATTCATTGTTCAGAATTAAAAACTTATTT-3'
Protein context (NP_060532.2, residues 43-63): PEDLQLKNAR[Leu53Phe]LCSWQLRTIL